The following is an entry in ClinVar:

NM_000038.6(APC):c.1548+1del

Gene: APC (APC regulator of Wnt signaling pathway; plus strand). Cytogenetic location: 5q22.2.
Variant type: Deletion.
Coding change: c.1548+1del on transcript NM_000038.6 (MANE Select); the canonical splice donor site of the intron after coding-DNA position 1548, one base deleted (G; older notation c.1548+1delG).
Molecular consequence: splice donor variant.
Genome position (GRCh38, 1-based): chr5:112,827,248, G deleted; the last of 2 consecutive G bases (chr5:112,827,247-112,827,248); deleting either gives the same sequence. VCF-style (leftmost placement, unchanged base first): chr5-112827246-AG-A. GRCh37 (hg19) VCF-style: chr5-112162943-AG-A.
Other names: c.699+1del (NM_001407470.1, NM_001354906.2); c.396+1del (NM_001407472.1, NM_001407471.1); c.1602+1del (NM_001407447.1, NM_001407448.1, NM_001407449.1 and 1 more transcripts); c.1548+1del (NM_001354895.2, NM_001407450.1, NM_001127510.3); c.1299+1del (NM_001407456.1, NM_001407457.1, NM_001407455.1 and 1 more transcripts); c.1245+1del (NM_001407460.1, NM_001407458.1, NM_001407459.1 and 1 more transcripts); c.1518+1del (NM_001407452.1); c.1161+1del (NM_001407469.1, NM_001407467.1); and 11 more.
Identifiers: ClinVar variation 4121680 (VCV004121680.1).

ClinVar aggregate classification (germline): Likely pathogenic (1 of 4 stars; one submission).

Conditions:
Hereditary cancer-predisposing syndrome. Also called: Hereditary neoplastic syndrome; Neoplastic Syndromes, Hereditary; Tumor predisposition; Hereditary Cancer Syndrome. Identifiers: Orphanet 140162, MedGen C0027672, MeSH D009386, MONDO:0015356.

Submission:

Ambry Genetics
Classification: Likely pathogenic for Hereditary cancer-predisposing syndrome. Last evaluated: 2025-09-08. Review status: criteria provided, single submitter. Criteria: Ambry Variant Classification Scheme 2023. Collection method: clinical testing. Allele origin: germline.
Comment: The c.1548+1delG intronic variant results from a deletion of one nucleotide one nucleotide after coding exon 11 of the APC gene. This variant is considered to be rare based on population cohorts in the Genome Aggregation Database (gnomAD). This nucleotide position is highly conserved in available vertebrate species. In silico splice site analysis predicts that this alteration will weaken the native splice donor site and will result in the creation or strengthening of a novel splice donor site. RNA studies have demonstrated that this alteration results in abnormal splicing in the set of samples tested (Ambry internal data). Alterations that disrupt the canonical splice site are expected to cause aberrant splicing, resulting in an abnormal protein or a transcript that is subject to nonsense-mediated mRNA decay. As such, this alteration is classified as likely pathogenic.